The following is an entry in ClinVar:

ClinVar aggregate classification (germline): Likely benign (0 of 4 stars; one submission).

Conditions:
Familial cancer of breast. Also called: BREAST CANCER, FAMILIAL; hereditary breast carcinoma; Hereditary breast cancer. Identifiers: Orphanet 227535, MedGen C0346153, MONDO:0016419, OMIM 114480. Disease mechanism: loss of function.

Allele frequency attached by ClinVar (database versions not stated): 1000 Genomes Project 0.00140; 1000 Genomes Project 30x 0.00141; gnomAD 0.00157 and 0.00164; TOPMed 0.00166.
gnomAD v4.1: 446 of 1,059,926 alleles (0.042%); highest among the groups gnomAD compares: African/African-American, 0.52%; 5 homozygotes.

Submission:

Leiden Open Variation Database
Classification: Likely benign for Familial cancer of breast. Last evaluated: 2019-05-13. Review status: no assertion criteria provided. Collection method: curation. Allele origin: germline. Affected: yes.
Comment: Curators: Marc Tischkowitz, Arleen D. Auerbach. Submitter to LOVD: Marc Tischkowitz.

Literature cited by the submitters: PubMed 21932393.

NM_024675.4(PALB2):c.2996+124C>T

Gene: PALB2 (partner and localizer of BRCA2; minus strand). Cytogenetic location: 16p12.2.
Variant type: single nucleotide variant.
Coding change: c.2996+124C>T on transcript NM_024675.4 (MANE Select); 124 bases into the intron after coding-DNA position 2996, C replaced by T.
Molecular consequence: intron variant.
Genome position (GRCh38, 1-based): chr16:23,622,845, G>A on the plus strand (C>T on the coding strand, the complement: PALB2 is on the minus strand). VCF-style: chr16-23622845-G-A. GRCh37 (hg19) VCF-style: chr16-23634166-G-A.
Identifiers: ClinVar variation 126700 (VCV000126700.3), dbSNP rs151026179, ClinGen allele CA269589.